The following is an entry in ClinVar:

ClinVar aggregate classification (germline): Uncertain significance (1 of 4 stars; one submission).

Conditions:
Granulomatous disease, chronic, autosomal recessive, cytochrome b-positive, type 2. Also called: Chronic granulomatous disease due to deficiency of NCF-2; Chronic Granulomatous Disease, Autosomal Recessive, Cytochrome b-Positive, Type II; CGD, AUTOSOMAL RECESSIVE CYTOCHROME b-POSITIVE, TYPE II; GRANULOMATOUS DISEASE, CHRONIC, DUE TO NCF2 DEFICIENCY; GRANULOMATOUS DISEASE, CHRONIC, AUTOSOMAL RECESSIVE, 2. Identifiers: Orphanet 379, MedGen C1856245, MONDO:0009310, OMIM 233710.

Allele frequency attached by ClinVar (database versions not stated): gnomAD exomes below 0.00001.
gnomAD v4.1: 9 of 1,614,106 alleles (0.00056%); highest among the groups gnomAD compares: Admixed American, 0.0067%; no homozygotes.

Submission:

Labcorp Genetics (formerly Invitae), Labcorp
Classification: Uncertain significance for Granulomatous disease, chronic, autosomal recessive, cytochrome b-positive, type 2. Last evaluated: 2021-09-01. Review status: criteria provided, single submitter. Criteria: Invitae Variant Classification Sherloc (09022015). Collection method: clinical testing. Allele origin: germline.
Comment: This sequence change falls in intron 5 of the NCF2 gene. It does not directly change the encoded amino acid sequence of the NCF2 protein. It affects a nucleotide within the consensus splice site of the intron. This variant is not present in population databases (ExAC no frequency). This variant has not been reported in the literature in individuals affected with NCF2-related conditions. Variants that disrupt the consensus splice site are a relatively common cause of aberrant splicing (PMID: 17576681, 9536098). Algorithms developed to predict the effect of sequence changes on RNA splicing suggest that this variant is not likely to affect RNA splicing. In summary, the available evidence is currently insufficient to determine the role of this variant in disease. Therefore, it has been classified as a Variant of Uncertain Significance.

Literature cited by the submitters: PubMed 17576681; PubMed 9536098.

NM_000433.4(NCF2):c.610-3T>C

Gene: NCF2 (neutrophil cytosolic factor 2; minus strand). Cytogenetic location: 1q25.3.
Variant type: single nucleotide variant.
Coding change: c.610-3T>C on transcript NM_000433.4 (MANE Select); 3 bases into the intron before coding-DNA position 610, T replaced by C.
Molecular consequence: intron variant.
Genome position (GRCh38, 1-based): chr1:183,570,842, A>G on the plus strand (T>C on the coding strand, the complement: NCF2 is on the minus strand). VCF-style: chr1-183570842-A-G. GRCh37 (hg19) VCF-style: chr1-183539977-A-G.
Other names: c.610-3T>C (NM_001127651.3); c.367-3T>C (NM_001190789.2); c.475-3T>C (NM_001190794.2).
Identifiers: ClinVar variation 858750 (VCV000858750.7), dbSNP rs1464536922, ClinGen allele CA527610061.